The following is an entry in ClinVar:

NM_000424.4(KRT5):c.1259G>A (p.Arg420His)

Genes: KRT5 (keratin 5; minus strand), LOC126861525 (BRD4-independent group 4 enhancer GRCh37_chr12:52909857-52911056; plus strand). Cytogenetic location: 12q13.13.
Variant type: single nucleotide variant.
Coding change: c.1259G>A on transcript NM_000424.4 (MANE Select); coding-DNA position 1259, G replaced by A.
Protein change: p.Arg420His; replaces arginine 420 with histidine.
Molecular consequence: missense variant.
Genome position (GRCh38, 1-based): chr12:52,516,817, C>T on the plus strand (G>A on the coding strand, the complement: KRT5 is on the minus strand). VCF-style: chr12-52516817-C-T. GRCh37 (hg19) VCF-style: chr12-52910601-C-T.
Other names: short protein forms R420H.
Identifiers: ClinVar variation 2199930 (VCV002199930.4), dbSNP rs140660135, ClinGen allele CA6582567.

ClinVar aggregate classification (germline): Uncertain significance (1 of 4 stars; one submission).

Allele frequency attached by ClinVar (database versions not stated): ExAC 0.00004; TOPMed 0.00007; gnomAD 0.00009; ESP Exome Variant Server 0.00015.
gnomAD v4.1: 97 of 1,614,084 alleles (0.006%); highest among the groups gnomAD compares: Middle Eastern, 0.016%; no homozygotes.

Submission:

Labcorp Genetics (formerly Invitae), Labcorp
Classification: Uncertain significance. Last evaluated: 2024-08-23. Review status: criteria provided, single submitter. Criteria: Invitae Variant Classification Sherloc (09022015). Collection method: clinical testing. Allele origin: germline.
Comment: This sequence change replaces arginine, which is basic and polar, with histidine, which is basic and polar, at codon 420 of the KRT5 protein (p.Arg420His). This variant is present in population databases (rs140660135, gnomAD 0.008%). This variant has not been reported in the literature in individuals affected with KRT5-related conditions. ClinVar contains an entry for this variant (Variation ID: 2199930). Invitae Evidence Modeling of protein sequence and biophysical properties (such as structural, functional, and spatial information, amino acid conservation, physicochemical variation, residue mobility, and thermodynamic stability) has been performed for this missense variant. However, the output from this modeling did not meet the statistical confidence thresholds required to predict the impact of this variant on KRT5 protein function. In summary, the available evidence is currently insufficient to determine the role of this variant in disease. Therefore, it has been classified as a Variant of Uncertain Significance.